The following is an entry in ClinVar:

NM_014363.6(SACS):c.10611A>G (p.Ala3537=)

Gene: SACS (sacsin molecular chaperone; minus strand). Cytogenetic location: 13q12.12.
Variant type: single nucleotide variant.
Coding change: c.10611A>G on transcript NM_014363.6 (MANE Select); coding-DNA position 10611, A replaced by G.
Protein change: p.Ala3537=; no amino-acid change (alanine 3537 retained).
Molecular consequence: synonymous variant.
Genome position (GRCh38, 1-based): chr13:23,333,265, T>C on the plus strand (A>G on the coding strand, the complement: SACS is on the minus strand). VCF-style: chr13-23333265-T-C. GRCh37 (hg19) VCF-style: chr13-23907404-T-C.
Other names: p.Ala3537=; c.10170A>G, p.Ala3390= (NM_001278055.2).
Identifiers: ClinVar variation 240890 (VCV000240890.53), dbSNP rs137856939, ClinGen allele CA6910424.
Genomic context (GRCh38, chr13:23,333,265, plus strand): 5'-AAACAATTTTTCAGGAAGCATAACTTCAAAAACTCTCACAGTTCTATCATAGAAATGCTT[T>C]GCTTGCTTTAGTCTACTGTTAGCATCATGGATTATCAATAAACTTTCCAGTTTTTCAAAA-3'
Protein context (NP_055178.3, residues 3527-3547): IHDANSRLKQ[Ala3537=]KHFYDRTVRV

ClinVar aggregate classification (germline): Benign/Likely benign. Review status: criteria provided, multiple submitters, no conflicts (2 of 4 stars). 11 submissions from 11 submitters: Benign (3); Likely benign (6). 2 of the submissions do not count toward it. Last evaluated 2026-09-01.

Conditions:
SACS-related disorder. Also called: SACS-related condition.
Spastic paraplegia. Identifiers: MedGen C0037772, HP:0001258.
Hereditary spastic paraplegia. Also called: Familial spastic paraparesis. Identifiers: Orphanet 685, MedGen C0037773, MONDO:0019064. Disease mechanism: loss of function.
Charlevoix-Saguenay spastic ataxia (SACS). Also called: AUTOSOMAL RECESSIVE SPASTIC ATAXIA OF CHARLEVOIX-SAGUENAY; SPASTIC ATAXIA 6, AUTOSOMAL RECESSIVE; Spastic ataxia of Charlevoix-Saguenay. Identifiers: Orphanet 98, MedGen C1849140, MONDO:0010041, OMIM 270550.

Allele frequency attached by ClinVar (database versions not stated): gnomAD exomes 0.00046 and 0.00082; ExAC 0.00093; gnomAD 0.00224 and 0.00236; ESP Exome Variant Server 0.00231; TOPMed 0.00251; 1000 Genomes Project 0.00300; 1000 Genomes Project 30x 0.00359.
gnomAD v4.1: 1,029 of 1,602,018 alleles (0.064%); highest among the groups gnomAD compares: African/African-American, 0.63%; 5 homozygotes.

Submissions (11):

CeGaT Center for Human Genetics Tuebingen
Classification: Likely benign. Last evaluated: 2026-09-01. Review status: criteria provided, single submitter. Criteria: CeGaT Center For Human Genetics Tuebingen Variant Classification Criteria Version 2. Collection method: clinical testing. Allele origin: germline. Affected: yes. Observed: 3 variant alleles.
Comment: SACS: BP4, BP7

Women's Health and Genetics/Laboratory Corporation of America, LabCorp
Classification: Likely benign. Last evaluated: 2026-03-17. Review status: criteria provided, single submitter. Criteria: LabCorp Variant Classification Summary - May 2015. Collection method: clinical testing. Allele origin: germline.
Comment: Variant summary: SACS c.10611A>G alters a conserved nucleotide resulting in a synonymous change. Consensus agreement among computation tools predict no significant impact on normal splicing. However, these predictions have yet to be confirmed by functional studies. The variant allele was found at a frequency of 0.00082 in 239498 control chromosomes in the gnomAD database, including 2 homozygotes. This frequency is not significantly higher than estimated for disease-causing variants in SACS, allowing no conclusion about variant significance. To our knowledge, no occurrence of c.10611A>G in individuals affected with SACS-related conditions and no experimental evidence demonstrating its impact on protein function have been reported. ClinVar contains an entry for this variant (Variation ID: 240890). Based on the evidence outlined above, the variant was classified as likely benign.

Labcorp Genetics (formerly Invitae), Labcorp
Classification: Benign for Spastic paraplegia. Last evaluated: 2026-02-01. Review status: criteria provided, single submitter. Criteria: Invitae Variant Classification Sherloc (09022015). Collection method: clinical testing. Allele origin: germline.

PreventionGenetics, part of Exact Sciences
Classification: Likely benign for SACS-related condition. Last evaluated: 2025-12-16. Review status: criteria provided, single submitter. Criteria: ACMG Guidelines, 2015. Collection method: clinical testing. Allele origin: germline.
Comment: This variant is classified as likely benign based on ACMG/AMP sequence variant interpretation guidelines (Richards et al. 2015 PMID: 25741868, with internal and published modifications).

Mayo Clinic Laboratories, Mayo Clinic
Classification: Benign. Last evaluated: 2025-09-19. Review status: criteria provided, single submitter. Criteria: ACMG Guidelines, 2015. Collection method: clinical testing. Allele origin: germline. Observed: 2 variant alleles.
Comment: BS1, BS2

Genome-Nilou Lab
Classification: Likely benign for Charlevoix-Saguenay spastic ataxia. Last evaluated: 2021-09-05. Review status: criteria provided, single submitter. Criteria: ACMG Guidelines, 2015. Collection method: clinical testing. Allele origin: germline. Affected: no.

Genome Diagnostics Laboratory, The Hospital for Sick Children
Classification: Likely benign for Hereditary spastic paraplegia. Last evaluated: 2019-10-01. Review status: criteria provided, single submitter. Criteria: ACMG Guidelines, 2015. Collection method: clinical testing. Allele origin: germline. Affected: yes.

Athena Diagnostics
Classification: Benign. Last evaluated: 2018-01-03. Review status: criteria provided, single submitter. Criteria: Athena Diagnostics Criteria. Collection method: clinical testing. Allele origin: germline.

Eurofins Ntd Llc (ga)
Classification: Likely benign. Last evaluated: 2017-04-20. Review status: criteria provided, single submitter. Criteria: EGL Classification Definitions 2015. Collection method: clinical testing. Allele origin: germline. Observed: 1 variant allele, 1 heterozygote.

Natera, Inc.
Classification: Benign for Charlevoix-Saguenay type spastic ataxia. Last evaluated: 2020-01-15. Review status: no assertion criteria provided. Collection method: clinical testing. Allele origin: germline. Not counted in ClinVar's aggregate classification.

PROSPAX: an integrated multimodal progression  chart in spastic ataxias, Center for Neurology; Hertie-Institute for Clinical Brain Research
Classification: Likely pathogenic for Charlevoix-Saguenay spastic ataxia. Last evaluated: 2022-01-01. Review status: flagged submission. Criteria: ACMG Guidelines, 2015. Collection method: research. Allele origin: germline. Affected: yes. Not counted in ClinVar's aggregate classification.
Comment: Variant seen in compound het: [c.10611A>G;c.8227del;c.4718T>G]
ClinVar note: Reason: Outlier claim with insufficient supporting evidence